The following is an entry in ClinVar:

NM_006031.6(PCNT):c.6033A>G (p.Ala2011=)

Gene: PCNT (pericentrin; plus strand). Cytogenetic location: 21q22.3.
Variant type: single nucleotide variant.
Coding change: c.6033A>G on transcript NM_006031.6 (MANE Select); coding-DNA position 6033, A replaced by G.
Protein change: p.Ala2011=; no amino-acid change (alanine 2011 retained).
Molecular consequence: synonymous variant.
Genome position (GRCh38, 1-based): chr21:46,412,875, A>G. VCF-style: chr21-46412875-A-G. GRCh37 (hg19) VCF-style: chr21-47832789-A-G.
Other names: c.5679A>G, p.Ala1893= (NM_001315529.2).
Identifiers: ClinVar variation 4999765 (VCV004999765.1).

ClinVar aggregate classification (germline): Likely benign (1 of 4 stars; one submission).

Conditions:
PCNT-related disorder. Also called: PCNT-related condition.

Submission:

PreventionGenetics, part of Exact Sciences
Classification: Likely benign for PCNT-related condition. Last evaluated: 2025-03-26. Review status: criteria provided, single submitter. Criteria: ACMG Guidelines, 2015. Collection method: clinical testing. Allele origin: germline.
Comment: This variant is classified as likely benign based on ACMG/AMP sequence variant interpretation guidelines (Richards et al. 2015 PMID: 25741868, with internal and published modifications).